The following is an entry in ClinVar:

NM_000152.5(GAA):c.2320dup (p.Asp774fs)

Gene: GAA (alpha glucosidase; plus strand). Cytogenetic location: 17q25.3.
Variant type: Duplication.
Coding change: c.2320dup on transcript NM_000152.5 (MANE Select); coding-DNA position 2320, one base duplicated (G; older notation c.2320dupG).
Protein change: p.Asp774fs; shifts the reading frame from aspartic acid 774.
Molecular consequence: frameshift variant.
Genome position (GRCh38, 1-based): chr17:80,117,098, G duplicated. VCF-style (leftmost placement, unchanged base first): chr17-80117097-C-CG. GRCh37 (hg19) VCF-style: chr17-78090896-C-CG.
Other names: c.2320dup, p.Asp774fs (NM_001079803.3, NM_001079804.3, NM_001406741.1 and 1 more transcripts); short protein forms D774fs.
Identifiers: ClinVar variation 2756543 (VCV002756543.3), dbSNP rs2503634132, ClinGen allele CA2697555219.

ClinVar aggregate classification (germline): Pathogenic (1 of 4 stars; one submission).

Conditions:
Glycogen storage disease, type II (IOPD). Also called: GLYCOGENOSIS, GENERALIZED, CARDIAC FORM; GSD II; POMPE DISEASE, INFANTILE-ONSET; GLYCOGEN STORAGE DISEASE II, INFANTILE-ONSET; ACID ALPHA-GLUCOSIDASE DEFICIENCY, INFANTILE-ONSET; GAA DEFICIENCY, INFANTILE-ONSET. Identifiers: Orphanet 365, MedGen C0017921, MONDO:0009290, OMIM 232300.

Submission:

Labcorp Genetics (formerly Invitae), Labcorp
Classification: Pathogenic for Glycogen storage disease, type II. Last evaluated: 2023-08-30. Review status: criteria provided, single submitter. Criteria: Invitae Variant Classification Sherloc (09022015). Collection method: clinical testing. Allele origin: germline.
Comment: For these reasons, this variant has been classified as Pathogenic. This variant has not been reported in the literature in individuals affected with GAA-related conditions. This variant is not present in population databases (gnomAD no frequency). This sequence change creates a premature translational stop signal (p.Asp774Glyfs*22) in the GAA gene. It is expected to result in an absent or disrupted protein product. Loss-of-function variants in GAA are known to be pathogenic (PMID: 18425781, 22252923).

Literature cited by the submitters: PubMed 18425781; PubMed 22252923.